The following is an entry in ClinVar:

ClinVar aggregate classification (germline): Likely benign. Review status: criteria provided, multiple submitters, no conflicts (2 of 4 stars). 3 submissions from 3 submitters: Likely benign (3). Last evaluated 2026-06-01.

Conditions:
Inborn genetic diseases. Identifiers: MedGen C0950123, MeSH D030342.

Allele frequency attached by ClinVar (database versions not stated): gnomAD 0.00007 and 0.00026; ESP Exome Variant Server 0.00015; gnomAD exomes 0.00045 and 0.00076; 1000 Genomes Project 30x 0.00094; ExAC 0.00095; 1000 Genomes Project 0.00100.
gnomAD v4.1: 696 of 1,614,082 alleles (0.043%); highest among the groups gnomAD compares: South Asian, 0.59%; 12 homozygotes.

Submissions (3):

CeGaT Center for Human Genetics Tuebingen
Classification: Likely benign. Last evaluated: 2026-06-01. Review status: criteria provided, single submitter. Criteria: CeGaT Center For Human Genetics Tuebingen Variant Classification Criteria Version 2. Collection method: clinical testing. Allele origin: germline. Affected: yes. Observed: 1 variant allele.
Comment: TIMM50: BS2

Labcorp Genetics (formerly Invitae), Labcorp
Classification: Likely benign. Last evaluated: 2025-12-20. Review status: criteria provided, single submitter. Criteria: Invitae Variant Classification Sherloc (09022015). Collection method: clinical testing. Allele origin: germline.

Ambry Genetics
Classification: Likely benign for Inborn genetic diseases. Last evaluated: 2024-04-09. Review status: criteria provided, single submitter. Criteria: Ambry Variant Classification Scheme 2023. Collection method: clinical testing. Allele origin: germline.

NM_001001563.5(TIMM50):c.362A>T (p.Asp121Val)

Gene: TIMM50 (translocase of inner mitochondrial membrane 50; plus strand). Cytogenetic location: 19q13.2.
Variant type: single nucleotide variant.
Coding change: c.362A>T on transcript NM_001001563.5 (MANE Select); coding-DNA position 362, A replaced by T.
Protein change: p.Asp121Val; replaces aspartic acid 121 with valine.
Molecular consequence: missense variant. On other transcripts: intron variant (1).
Genome position (GRCh38, 1-based): chr19:39,485,592, A>T. VCF-style: chr19-39485592-A-T. GRCh37 (hg19) VCF-style: chr19-39976232-A-T.
Other names: c.34-96A>T (NM_001329559.2); c.671A>T (NM_001001563.1); short protein forms D121V.
Identifiers: ClinVar variation 1138329 (VCV001138329.12), dbSNP rs143636898, ClinGen allele CA9431798.
Genomic context (GRCh38, chr19:39,485,592, plus strand): 5'-GTGTTCTCCTAGATCCAATTCTGGTACAGCAGTTGCGCCGGACATACAAATATTTCAAAG[A>T]TTATAGACAGGTGAGCAGAAGCCCTGGGCTCAGTCCCCATGTCTCCAGCCCTGGCCTCCT-3'
Protein context (NP_001001563.2, residues 111-131): QLRRTYKYFK[Asp121Val]YRQMIIEPTS